The following is an entry in ClinVar:

NM_004984.4(KIF5A):c.608C>G (p.Ser203Cys)

Gene: KIF5A (kinesin family member 5A; plus strand). Cytogenetic location: 12q13.3.
Variant type: single nucleotide variant.
Coding change: c.608C>G on transcript NM_004984.4 (MANE Select); coding-DNA position 608, C replaced by G.
Protein change: p.Ser203Cys; replaces serine 203 with cysteine.
Molecular consequence: missense variant.
Genome position (GRCh38, 1-based): chr12:57,567,512, C>G. VCF-style: chr12-57567512-C-G. GRCh37 (hg19) VCF-style: chr12-57961295-C-G.
Other names: c.341C>G, p.Ser114Cys (NM_001354705.2); short protein forms S114C, S203C.
Identifiers: ClinVar variation 3721166 (VCV003721166.2).

ClinVar aggregate classification (germline): Uncertain significance (1 of 4 stars; one submission).

Conditions:
Spastic paraplegia. Identifiers: MedGen C0037772, HP:0001258.

Submission:

Labcorp Genetics (formerly Invitae), Labcorp
Classification: Uncertain significance for Spastic paraplegia. Last evaluated: 2024-10-16. Review status: criteria provided, single submitter. Criteria: Invitae Variant Classification Sherloc (09022015). Collection method: clinical testing. Allele origin: germline.
Comment: This sequence change replaces serine, which is neutral and polar, with cysteine, which is neutral and slightly polar, at codon 203 of the KIF5A protein (p.Ser203Cys). This variant is not present in population databases (gnomAD no frequency). This missense change has been observed in individual(s) with KIF5A-related conditions (PMID: 21107874). Invitae Evidence Modeling of protein sequence and biophysical properties (such as structural, functional, and spatial information, amino acid conservation, physicochemical variation, residue mobility, and thermodynamic stability) indicates that this missense variant is expected to disrupt KIF5A protein function with a positive predictive value of 80%. Experimental studies have shown that this missense change affects KIF5A function (PMID: 28678816). In summary, the available evidence is currently insufficient to determine the role of this variant in disease. Therefore, it has been classified as a Variant of Uncertain Significance.

Literature cited by the submitters: PubMed 21107874; PubMed 28678816.